The following is an entry in ClinVar:

NC_000017.11:g.(?_31343009)_(31343135_?)del

Gene: NF1 (neurofibromin 1; plus strand). Cytogenetic location: 17q11.2.
Variant type: Deletion.
Identifiers: ClinVar variation 417337 (VCV000417337.1).

ClinVar aggregate classification (germline): Pathogenic (1 of 4 stars; one submission).

Conditions:
Neurofibromatosis, type 1 (NF1). Also called: NEUROFIBROMATOSIS, TYPE I, SOMATIC; Peripheral type neurofibromatosis; Neurofibromatosis, type I; VON RECKLINGHAUSEN DISEASE. Identifiers: Orphanet 636, MedGen C0027831, MONDO:0018975, OMIM 162200. Disease mechanism: loss of function.

Submission:

Labcorp Genetics (formerly Invitae), Labcorp
Classification: Pathogenic for Neurofibromatosis, type 1. Last evaluated: 2016-10-15. Review status: criteria provided, single submitter. Criteria: Invitae Variant Classification Sherloc (09022015). Collection method: clinical testing. Allele origin: germline.
Comment: This variant is a gross deletion of the genomic region encompassing exon 47 of the NF1 gene. This creates a premature translational stop signal and is expected to result in an absent or disrupted protein product. While this particular variant has not been reported in the literature, loss-of-function variants in NF1 are known to be pathogenic (PMID: 10712197, 23913538). For these reasons, this variant has been classified as Pathogenic.